The following is an entry in ClinVar:

NM_001367624.2(ZNF469):c.4727A>G (p.Gln1576Arg)

Gene: ZNF469 (zinc finger protein 469; plus strand). Cytogenetic location: 16q24.2.
Variant type: single nucleotide variant.
Coding change: c.4727A>G on transcript NM_001367624.2 (MANE Select); coding-DNA position 4727, A replaced by G.
Protein change: p.Gln1576Arg; replaces glutamine 1576 with arginine.
Molecular consequence: missense variant.
Genome position (GRCh38, 1-based): chr16:88,432,197, A>G. VCF-style: chr16-88432197-A-G. GRCh37 (hg19) VCF-style: chr16-88498605-A-G.
Other names: NM_001127464.1:c.4643A>G; short protein forms Q1576R.
Identifiers: ClinVar variation 3476263 (VCV003476263.1).

ClinVar aggregate classification (germline): Uncertain significance (1 of 4 stars; one submission).

Conditions:
Cardiovascular phenotype. Identifiers: MedGen CN230736.

Submission:

Ambry Genetics
Classification: Uncertain significance for Cardiovascular phenotype. Last evaluated: 2024-11-04. Review status: criteria provided, single submitter. Criteria: Ambry Variant Classification Scheme 2023. Collection method: clinical testing. Allele origin: germline.
Comment: The p.Q1548R variant (also known as c.4643A>G), located in coding exon 2 of the ZNF469 gene, results from an A to G substitution at nucleotide position 4643. The glutamine at codon 1548 is replaced by arginine, an amino acid with highly similar properties. This amino acid position is conserved. In addition, this alteration is predicted to be tolerated by in silico analysis. Based on the available evidence, the clinical significance of this variant remains unclear.